The following is an entry in ClinVar:

NM_003073.5(SMARCB1):c.83_84delinsAA (p.Ile28Lys)

Gene: SMARCB1 (SWI/SNF related BAF chromatin remodeling complex subunit B1; plus strand). Cytogenetic location: 22q11.23.
Variant type: Indel.
Coding change: c.83_84delinsAA on transcript NM_003073.5 (MANE Select); coding-DNA positions 83 to 84, TC replaced by AA.
Protein change: p.Ile28Lys; replaces isoleucine 28 with lysine.
Molecular consequence: missense variant.
Genome position (GRCh38, 1-based): chr22:23,787,252-23,787,253, TC replaced by AA. VCF-style: chr22-23787252-TC-AA. GRCh37 (hg19) VCF-style: chr22-24129439-TC-AA.
Other names: c.83_84delinsAA, p.Ile28Lys (NM_001007468.3, NM_001317946.2, NM_001362877.2); short protein forms I28K.
Identifiers: ClinVar variation 1061593 (VCV001061593.7), dbSNP rs2145952163, ClinGen allele CA2499226027.

ClinVar aggregate classification (germline): Uncertain significance (1 of 4 stars; one submission).

Submission:

Labcorp Genetics (formerly Invitae), Labcorp
Classification: Uncertain significance. Last evaluated: 2020-10-02. Review status: criteria provided, single submitter. Criteria: Invitae Variant Classification Sherloc (09022015). Collection method: clinical testing. Allele origin: germline.
Comment: In summary, the available evidence is currently insufficient to determine the role of this variant in disease. Therefore, it has been classified as a Variant of Uncertain Significance. Algorithms developed to predict the effect of missense changes on protein structure and function are either unavailable or do not agree on the potential impact of this missense change (SIFT: "Not Available"; PolyPhen-2: "Possibly Damaging"; Align-GVGD: "Not Available"). This variant has not been reported in the literature in individuals with SMARCB1-related conditions. The frequency data for this variant in the population databases is not available, as this variant may be reported as separate entries in the ExAC database. This sequence change replaces isoleucine with lysine at codon 28 of the SMARCB1 protein (p.Ile28Lys). The isoleucine residue is moderately conserved and there is a moderate physicochemical difference between isoleucine and lysine.